The following is an entry in ClinVar:

NM_004541.4(NDUFA1):c.152_155del (p.Asp51fs)

Gene: NDUFA1 (NADH:ubiquinone oxidoreductase subunit A1; plus strand). Cytogenetic location: Xq24.
Variant type: Deletion.
Coding change: c.152_155del on transcript NM_004541.4 (MANE Select); coding-DNA positions 152 to 155, 4 bases deleted (ATAG; older notation c.152_155delATAG).
Protein change: p.Asp51fs; shifts the reading frame from aspartic acid 51.
Molecular consequence: frameshift variant.
Genome position (GRCh38, 1-based): chrX:119,873,353-119,873,356, ATAG deleted; deleting any 4 consecutive bases within chrX:119,873,351-119,873,356 gives the same sequence; the c. name uses the placement nearest the transcript's 3' end. VCF-style (leftmost placement, unchanged base first): chrX-119873350-GAGAT-G. GRCh37 (hg19) VCF-style: chrX-119007313-GAGAT-G.
Other names: short protein forms D51fs.
Identifiers: ClinVar variation 4528253 (VCV004528253.1).

ClinVar aggregate classification (germline): Uncertain significance (1 of 4 stars; one submission).

Submission:

GeneDx
Classification: Uncertain significance. Last evaluated: 2025-05-01. Review status: criteria provided, single submitter. Criteria: GeneDx Variant Classification Process June 2021. Collection method: clinical testing. Allele origin: germline. Affected: yes.
Comment: Not observed at significant frequency in large population cohorts (gnomAD); Frameshift variant predicted to result in abnormal protein length as the last 20 amino acid(s) are replaced with 24 different amino acid(s); Has not been previously published as pathogenic or benign to our knowledge